The following is an entry in ClinVar:

ClinVar aggregate classification (germline): Uncertain significance. Review status: criteria provided, multiple submitters, no conflicts (2 of 4 stars). 2 submissions from 2 submitters: Uncertain significance (2). Last evaluated 2026-07-22.

Conditions:
FAT1-related disorder. Also called: FAT1-related condition.

gnomAD v4.1: 4 of 1,612,536 alleles (0.00025%); highest among the groups gnomAD compares: Admixed American, 0.005%; no homozygotes.

Submissions (2):

PreventionGenetics, part of Exact Sciences
Classification: Uncertain significance for FAT1-related condition. Last evaluated: 2026-07-22. Review status: criteria provided, single submitter. Criteria: ACMG Guidelines, 2015. Collection method: clinical testing. Allele origin: germline.
Comment: The FAT1 c.3314A>G variant is predicted to result in the amino acid substitution p.Tyr1105Cys. To our knowledge, this variant has not been reported in the literature. This variant is reported in 0.0057% of alleles in individuals of Latino descent in gnomAD. At this time, the clinical significance of this variant is uncertain due to the absence of conclusive functional and genetic evidence.

Labcorp Genetics (formerly Invitae), Labcorp
Classification: Uncertain significance. Last evaluated: 2025-12-30. Review status: criteria provided, single submitter. Criteria: Invitae Variant Classification Sherloc (09022015). Collection method: clinical testing. Allele origin: germline.
Comment: This sequence change replaces tyrosine, which is neutral and polar, with cysteine, which is neutral and slightly polar, at codon 1105 of the FAT1 protein (p.Tyr1105Cys). This variant is present in population databases (rs764932991, gnomAD 0.006%). This variant has not been reported in the literature in individuals affected with FAT1-related conditions. ClinVar contains an entry for this variant (Variation ID: 3616773). Invitae Evidence Modeling of protein sequence and biophysical properties (such as structural, functional, and spatial information, amino acid conservation, physicochemical variation, residue mobility, and thermodynamic stability) indicates that this missense variant is not expected to disrupt FAT1 protein function with a negative predictive value of 80%. In summary, the available evidence is currently insufficient to determine the role of this variant in disease. Therefore, it has been classified as a Variant of Uncertain Significance.

NM_005245.4(FAT1):c.3314A>G (p.Tyr1105Cys)

Gene: FAT1 (FAT atypical cadherin 1; minus strand). Cytogenetic location: 4q35.2.
Variant type: single nucleotide variant.
Coding change: c.3314A>G on transcript NM_005245.4 (MANE Select); coding-DNA position 3314, A replaced by G.
Protein change: p.Tyr1105Cys; replaces tyrosine 1105 with cysteine.
Molecular consequence: missense variant.
Genome position (GRCh38, 1-based): chr4:186,663,565, T>C on the plus strand (A>G on the coding strand, the complement: FAT1 is on the minus strand). VCF-style: chr4-186663565-T-C. GRCh37 (hg19) VCF-style: chr4-187584719-T-C.
Other names: c.3314A>G (NM_005245.3); short protein forms Y1105C.
Identifiers: ClinVar variation 3616773 (VCV003616773.3).